The following is an entry in ClinVar:

ClinVar aggregate classification (germline): Pathogenic. Review status: criteria provided, multiple submitters, no conflicts (2 of 4 stars). 6 submissions from 6 submitters: Pathogenic (5). 1 of the submissions does not count toward it. Last evaluated 2025-11-04.

Conditions:
CFTR-related disorder (CFTR-RD). Also called: CFTR-related disorders; CFTR-related condition. Identifiers: MedGen C5924204, MONDO:7770004.
Cystic fibrosis (CF). Also called: MUCOVISCIDOSIS. Identifiers: Orphanet 586, MedGen C0010674, MONDO:0009061, OMIM 219700. Disease mechanism: loss of function.
Bronchiectasis with or without elevated sweat chloride 1 (BESC1). Also called: Cystic Fibrosis-Like Syndrome. Identifiers: Orphanet 60033, MedGen C2749757, MONDO:0008887, OMIM 211400.

Submissions (6):

Natera, Inc.
Classification: Pathogenic for CFTR-related disorders. Last evaluated: 2025-11-04. Review status: criteria provided, single submitter. Criteria: Natera Variant Classification Schema (03/2026). Collection method: clinical testing. Allele origin: germline.
Comment: The c.1703T>A variant in CFTR is a nonsense variant predicted to introduce a stop codon at amino acid 568. This variant is expected to result in nonsense mediated decay, truncation, or a dysfunctional protein product. This variant is rare in the general population with a frequency below the threshold expected for the associated phenotype(s). This variant has been observed in one or more individuals affected with the associated recessive disease, as either homozygous or compound heterozygous with a second variant (PMID: 9067754, 12833420, 35858753). Given the available evidence, this variant is classified as Pathogenic.

Ambry Genetics
Classification: Pathogenic for Cystic fibrosis. Last evaluated: 2025-08-05. Review status: criteria provided, single submitter. Criteria: Ambry Variant Classification Scheme 2023. Collection method: clinical testing. Allele origin: germline.
Comment: The p.L568* pathogenic mutation (also known as c.1703T>A), located in coding exon 13 of the CFTR gene, results from a T to A substitution at nucleotide position 1703. This changes the amino acid from a leucine to a stop codon within coding exon 13. This variant has been identified in the homozygous state and/or in conjunction with other CFTR variant(s) in individual(s) with features consistent with cystic fibrosis (Macek M, et al. Hum. Mutat. 1997; 9(2):136-47). This alteration is expected to result in loss of function by premature protein truncation or nonsense-mediated mRNA decay. As such, this alteration is interpreted as a disease-causing mutation.

Labcorp Genetics (formerly Invitae), Labcorp
Classification: Pathogenic for Cystic fibrosis. Last evaluated: 2025-04-09. Review status: criteria provided, single submitter. Criteria: Invitae Variant Classification Sherloc (09022015). Collection method: clinical testing. Allele origin: germline.
Comment: This sequence change creates a premature translational stop signal (p.Leu568*) in the CFTR gene. It is expected to result in an absent or disrupted protein product. Loss-of-function variants in CFTR are known to be pathogenic (PMID: 1695717, 7691345, 9725922). This variant is not present in population databases (gnomAD no frequency). This premature translational stop signal has been observed in individual(s) with cystic fibrosis (PMID: 9067754). This variant is also known as c.1835T>A. ClinVar contains an entry for this variant (Variation ID: 53348). Algorithms developed to predict the effect of sequence changes on RNA splicing suggest that this variant may disrupt the consensus splice site. For these reasons, this variant has been classified as Pathogenic.

Baylor Genetics
Classification: Pathogenic for Bronchiectasis with or without elevated sweat chloride 1. Last evaluated: 2023-12-19. Review status: criteria provided, single submitter. Criteria: ACMG Guidelines, 2015. Collection method: clinical testing. Allele origin: unknown.

Women's Health and Genetics/Laboratory Corporation of America, LabCorp
Classification: Pathogenic for Cystic fibrosis. Last evaluated: 2023-08-08. Review status: criteria provided, single submitter. Criteria: LabCorp Variant Classification Summary - May 2015. Collection method: clinical testing. Allele origin: germline.
Comment: Variant summary: CFTR c.1703T>A (p.Leu568X) results in a premature termination codon, predicted to cause a truncation of the encoded protein or absence of the protein due to nonsense mediated decay, which are commonly known mechanisms for disease. The variant was absent in 250456 control chromosomes. c.1703T>A has been reported in the literature in individuals affected with Cystic Fibrosis (eg. Macek_1997). To our knowledge, no experimental evidence demonstrating an impact on protein function has been reported. Three submitters have cited clinical-significance assessments for this variant to ClinVar after 2014. All submitters classified the variant as pathogenic/likely pathogenic. Based on the evidence outlined above, the variant was classified as pathogenic.

Counsyl
Classification: Likely pathogenic for Cystic fibrosis. Last evaluated: 2016-08-22. Review status: no assertion criteria provided. Collection method: clinical testing. Allele origin: unknown. Not counted in ClinVar's aggregate classification.

Literature cited by the submitters: PubMed 9067754 (cited by 5 submitters); PubMed 12833420 (cited by Natera, Inc.); PubMed 35858753 (cited by Natera, Inc.); PubMed 1695717 (cited by Labcorp Genetics (formerly Invitae), Labcorp); PubMed 7691345 (cited by Labcorp Genetics (formerly Invitae), Labcorp); PubMed 9725922 (cited by Labcorp Genetics (formerly Invitae), Labcorp); PubMed 26708955 (cited by Women's Health and Genetics/Laboratory Corporation of America, LabCorp).

NM_000492.4(CFTR):c.1703T>A (p.Leu568Ter)

Gene: CFTR (CF transmembrane conductance regulator; plus strand). Cytogenetic location: 7q31.2.
Variant type: single nucleotide variant.
Coding change: c.1703T>A on transcript NM_000492.4 (MANE Select); coding-DNA position 1703, T replaced by A.
Protein change: p.Leu568Ter; replaces leucine 568 with a stop codon.
Molecular consequence: nonsense.
Genome position (GRCh38, 1-based): chr7:117,590,376, T>A. VCF-style: chr7-117590376-T-A. GRCh37 (hg19) VCF-style: chr7-117230430-T-A.
Other names: short protein forms L568*.
Identifiers: ClinVar variation 53348 (VCV000053348.20), dbSNP rs397508273, ClinGen allele CA326618.